The following is an entry in ClinVar:

ClinVar aggregate classification (germline): Uncertain significance (0 of 4 stars; one submission).

Conditions:
PLXNA2-related disorder. Also called: PLXNA2-related condition.

gnomAD v4.1: 4 of 1,614,038 alleles (0.00025%); highest among the groups gnomAD compares: African/African-American, 0.004%; no homozygotes.

Submission:

PreventionGenetics, part of Exact Sciences
Classification: Uncertain significance for PLXNA2-related condition. Last evaluated: 2024-05-06. Review status: no assertion criteria provided. Collection method: clinical testing. Allele origin: germline.
Comment: The PLXNA2 c.182C>T variant is predicted to result in the amino acid substitution p.Ala61Val. To our knowledge, this variant has not been reported in the literature or in gnomAD, indicating this variant is rare. At this time, the clinical significance of this variant is uncertain due to the absence of conclusive functional and genetic evidence.

NM_025179.4(PLXNA2):c.182C>T (p.Ala61Val)

Gene: PLXNA2 (plexin A2; minus strand). Cytogenetic location: 1q32.2.
Variant type: single nucleotide variant.
Coding change: c.182C>T on transcript NM_025179.4 (MANE Select); coding-DNA position 182, C replaced by T.
Protein change: p.Ala61Val; replaces alanine 61 with valine.
Molecular consequence: missense variant.
Genome position (GRCh38, 1-based): chr1:208,217,741, G>A on the plus strand (C>T on the coding strand, the complement: PLXNA2 is on the minus strand). VCF-style: chr1-208217741-G-A. GRCh37 (hg19) VCF-style: chr1-208391086-G-A.
Other names: short protein forms A61V.
Identifiers: ClinVar variation 3358805 (VCV003358805.1).
Genomic context (GRCh38, chr1:208,217,741, plus strand): 5'-ACCTGGATGGTCAGGTTGCCTGTCAGCTTATAGACCCGGTTGATGGCCCCCACATAGACG[G>A]CCCCCGTCCCTTGGTGGACGGTCAAGTGGTTGAAGGTCCAGTCACGATTCTCAGAGTGGA-3'
Protein context (NP_079455.3, residues 51-71): NHLTVHQGTG[Ala61Val]VYVGAINRVY